The following is an entry in ClinVar:

ClinVar aggregate classification (germline): Uncertain significance (1 of 4 stars; one submission).

Submission:

CeGaT Center for Human Genetics Tuebingen
Classification: Uncertain significance. Last evaluated: 2026-06-01. Review status: criteria provided, single submitter. Criteria: CeGaT Center For Human Genetics Tuebingen Variant Classification Criteria Version 2. Collection method: clinical testing. Allele origin: germline. Affected: yes. Observed: 1 variant allele.
Comment: AFG2B: PM2

NM_024063.3(AFG2B):c.1458C>G (p.Phe486Leu)

Gene: AFG2B (AAA ATPase AFG2B; plus strand). Cytogenetic location: 15q21.1.
Variant type: single nucleotide variant.
Coding change: c.1458C>G on transcript NM_024063.3 (MANE Select); coding-DNA position 1458, C replaced by G.
Protein change: p.Phe486Leu; replaces phenylalanine 486 with leucine.
Molecular consequence: missense variant. On other transcripts: non-coding transcript variant (5).
Genome position (GRCh38, 1-based): chr15:45,414,594, C>G. VCF-style: chr15-45414594-C-G. GRCh37 (hg19) VCF-style: chr15-45706792-C-G.
Other names: c.1458C>G, p.Phe486Leu (NM_001323640.2); short protein forms F486L.
Identifiers: ClinVar variation 4875319 (VCV004875319.2).